The following is an entry in ClinVar:

ClinVar aggregate classification (germline): Likely benign. Review status: criteria provided, single submitter (1 of 4 stars). 2 submissions from 2 submitters: Likely benign (1). 1 of the submissions does not count toward it. Last evaluated 2025-11-24.

Conditions:
TCF20-related disorder. Also called: TCF20-related condition.

Allele frequency attached by ClinVar (database versions not stated): gnomAD 0.00001 and 0.00011; TOPMed 0.00002; gnomAD exomes 0.00013 and 0.00024; ExAC 0.00026; 1000 Genomes Project 30x 0.00125; 1000 Genomes Project 0.00140.
gnomAD v4.1: 210 of 1,614,162 alleles (0.013%); highest among the groups gnomAD compares: South Asian, 0.21%; 1 homozygote.

Submissions (2):

Labcorp Genetics (formerly Invitae), Labcorp
Classification: Likely benign. Last evaluated: 2025-11-24. Review status: criteria provided, single submitter. Criteria: Invitae Variant Classification Sherloc (09022015). Collection method: clinical testing. Allele origin: germline.

PreventionGenetics, part of Exact Sciences
Classification: Likely benign for TCF20-related condition. Last evaluated: 2023-01-05. Review status: no assertion criteria provided. Collection method: clinical testing. Allele origin: germline. Not counted in ClinVar's aggregate classification.
Comment: This variant is classified as likely benign based on ACMG/AMP sequence variant interpretation guidelines (Richards et al. 2015 PMID: 25741868, with internal and published modifications).

NM_001378418.1(TCF20):c.1676C>T (p.Ser559Leu)

Gene: TCF20 (transcription factor 20; minus strand). Cytogenetic location: 22q13.2.
Variant type: single nucleotide variant.
Coding change: c.1676C>T on transcript NM_001378418.1 (MANE Select); coding-DNA position 1676, C replaced by T.
Protein change: p.Ser559Leu; replaces serine 559 with leucine.
Molecular consequence: missense variant.
Genome position (GRCh38, 1-based): chr22:42,213,630, G>A on the plus strand (C>T on the coding strand, the complement: TCF20 is on the minus strand). VCF-style: chr22-42213630-G-A. GRCh37 (hg19) VCF-style: chr22-42609636-G-A.
Other names: c.1676C>T (NM_005650.3); c.1676C>T, p.Ser559Leu (NM_005650.4, NM_181492.3); short protein forms S559L.
Identifiers: ClinVar variation 1662891 (VCV001662891.10), dbSNP rs542391202, ClinGen allele CA10267144.